The following is an entry in ClinVar:

ClinVar aggregate classification (germline): Uncertain significance (1 of 4 stars; one submission).

Submission:

Labcorp Genetics (formerly Invitae), Labcorp
Classification: Uncertain significance. Last evaluated: 2021-06-27. Review status: criteria provided, single submitter. Criteria: Invitae Variant Classification Sherloc (09022015). Collection method: clinical testing. Allele origin: germline.
Comment: This sequence change replaces proline with serine at codon 2234 of the COL7A1 protein (p.Pro2234Ser). The proline residue is moderately conserved and there is a moderate physicochemical difference between proline and serine. This variant is not present in population databases (ExAC no frequency). This variant has not been reported in the literature in individuals with COL7A1-related conditions. Advanced modeling of protein sequence and biophysical properties (such as structural, functional, and spatial information, amino acid conservation, physicochemical variation, residue mobility, and thermodynamic stability) performed at Invitae indicates that this missense variant is not expected to disrupt COL7A1 protein function. In summary, the available evidence is currently insufficient to determine the role of this variant in disease. Therefore, it has been classified as a Variant of Uncertain Significance.

NM_000094.4(COL7A1):c.6700C>T (p.Pro2234Ser)

Gene: COL7A1 (collagen type VII alpha 1 chain; minus strand). Cytogenetic location: 3p21.31.
Variant type: single nucleotide variant.
Coding change: c.6700C>T on transcript NM_000094.4 (MANE Select); coding-DNA position 6700, C replaced by T.
Protein change: p.Pro2234Ser; replaces proline 2234 with serine.
Molecular consequence: missense variant.
Genome position (GRCh38, 1-based): chr3:48,573,188, G>A on the plus strand (C>T on the coding strand, the complement: COL7A1 is on the minus strand). VCF-style: chr3-48573188-G-A. GRCh37 (hg19) VCF-style: chr3-48610621-G-A.
Other names: short protein forms P2234S.
Identifiers: ClinVar variation 1957426 (VCV001957426.2), dbSNP rs2530918122, ClinGen allele CA352655382.